The following is an entry in ClinVar:

ClinVar aggregate classification (germline): Uncertain significance (1 of 4 stars; one submission).

Conditions:
Charcot-Marie-Tooth disease type 2. Also called: Charcot-Marie-Tooth type 2. Identifiers: Orphanet 64746, MedGen C0270914, MONDO:0018993.

Allele frequency attached by ClinVar (database versions not stated): gnomAD exomes below 0.00001.

Submission:

Labcorp Genetics (formerly Invitae), Labcorp
Classification: Uncertain significance for Charcot-Marie-Tooth disease type 2. Last evaluated: 2025-02-09. Review status: criteria provided, single submitter. Criteria: Invitae Variant Classification Sherloc (09022015). Collection method: clinical testing. Allele origin: germline.
Comment: This sequence change replaces glutamic acid, which is acidic and polar, with valine, which is neutral and non-polar, at codon 950 of the AARS protein (p.Glu950Val). This variant is present in population databases (no rsID available, gnomAD 0.0009%). This variant has not been reported in the literature in individuals affected with AARS-related conditions. ClinVar contains an entry for this variant (Variation ID: 949111). Invitae Evidence Modeling of protein sequence and biophysical properties (such as structural, functional, and spatial information, amino acid conservation, physicochemical variation, residue mobility, and thermodynamic stability) indicates that this missense variant is not expected to disrupt AARS protein function with a negative predictive value of 95%. In summary, the available evidence is currently insufficient to determine the role of this variant in disease. Therefore, it has been classified as a Variant of Uncertain Significance.

NM_001605.3(AARS1):c.2849A>T (p.Glu950Val)

Gene: AARS1 (alanyl-tRNA synthetase 1; minus strand). Cytogenetic location: 16q22.1.
Variant type: single nucleotide variant.
Coding change: c.2849A>T on transcript NM_001605.3 (MANE Select); coding-DNA position 2849, A replaced by T.
Protein change: p.Glu950Val; replaces glutamic acid 950 with valine.
Molecular consequence: missense variant.
Genome position (GRCh38, 1-based): chr16:70,252,779, T>A on the plus strand (A>T on the coding strand, the complement: AARS1 is on the minus strand). VCF-style: chr16-70252779-T-A. GRCh37 (hg19) VCF-style: chr16-70286682-T-A.
Other names: short protein forms E950V.
Identifiers: ClinVar variation 949111 (VCV000949111.7), dbSNP rs1205588554, ClinGen allele CA396553618.
Genomic context (GRCh38, chr16:70,252,779, plus strand): 5'-ACTCAGTTCTTTACATCCCCGAGGCGCAGCTGGGCGAAGGAAGTGGCCAGCTGCAGCGCC[T>A]CCTGCAGGCAGCCAACGTTCTTGCCTGTGGCCTGTGCAGACACATCCTTGCCACCACCTT-3'
Protein context (NP_001596.2, residues 940-960): ATGKNVGCLQ[Glu950Val]ALQLATSFAQ